The following is an entry in ClinVar:

NM_002471.4(MYH6):c.5662G>C (p.Glu1888Gln)

Gene: MYH6 (myosin heavy chain 6; minus strand). Cytogenetic location: 14q11.2.
Variant type: single nucleotide variant.
Coding change: c.5662G>C on transcript NM_002471.4 (MANE Select); coding-DNA position 5662, G replaced by C.
Protein change: p.Glu1888Gln; replaces glutamic acid 1888 with glutamine.
Molecular consequence: missense variant.
Genome position (GRCh38, 1-based): chr14:23,382,562, C>G on the plus strand (G>C on the coding strand, the complement: MYH6 is on the minus strand). VCF-style: chr14-23382562-C-G. GRCh37 (hg19) VCF-style: chr14-23851771-C-G.
Other names: short protein forms E1888Q.
Identifiers: ClinVar variation 2574819 (VCV002574819.1), dbSNP rs947393801, ClinGen allele CA257775230.

ClinVar aggregate classification (germline): Uncertain significance (1 of 4 stars; one submission).

Allele frequency attached by ClinVar (database versions not stated): gnomAD 0.00001; TOPMed 0.00003.
gnomAD v4.1: 1 of 1,614,040 alleles (0.000062%); highest among the groups gnomAD compares: Non-Finnish European, 0.000085%; no homozygotes.

Submission:

GeneDx
Classification: Uncertain significance. Last evaluated: 2023-02-01. Review status: criteria provided, single submitter. Criteria: GeneDx Variant Classification Process June 2021. Collection method: clinical testing. Allele origin: germline. Affected: yes.
Comment: Not observed at significant frequency in large population cohorts (gnomAD); In silico analysis supports that this missense variant has a deleterious effect on splicing.; In silico analysis supports that this missense variant does not alter protein structure/function; Has not been previously published as pathogenic or benign to our knowledge